The following is an entry in ClinVar:

ClinVar aggregate classification (germline): Uncertain significance (1 of 4 stars; one submission).

Conditions:
Shukla-Vernon syndrome. Identifiers: MedGen C5193146, MONDO:0026727, OMIM 301029.

Submission:

Institute of Human Genetics, University of Goettingen
Classification: Uncertain significance for Shukla-Vernon syndrome. Last evaluated: 2024-05-10. Review status: criteria provided, single submitter. Criteria: ACMG Guidelines, 2015. Collection method: clinical testing. Allele origin: unknown. Inheritance: X-linked recessive inheritance. Observed: 1 hemizygote.
Comment: The variant c.1943C>T (p.(Thr648Ile)) in exon 4 of the BCORL1-gene is not found in the gnomAD database, it affects a moderately conserved nucleotide, and a moderately conserved amino acid and there is a moderate physicochemical difference between Thr and Ile. This variant has a benign computational verdict based on in silico prediction algorithms. ACMG criteria used for classification: PM2_sup, BP4.

NM_001379451.1(BCORL1):c.1943C>T (p.Thr648Ile)

Gene: BCORL1 (BCL6 corepressor like 1; plus strand). Cytogenetic location: Xq26.1.
Variant type: single nucleotide variant.
Coding change: c.1943C>T on transcript NM_001379451.1 (MANE Select); coding-DNA position 1943, C replaced by T.
Protein change: p.Thr648Ile; replaces threonine 648 with isoleucine.
Molecular consequence: missense variant.
Genome position (GRCh38, 1-based): chrX:130,014,715, C>T. VCF-style: chrX-130014715-C-T. GRCh37 (hg19) VCF-style: chrX-129148691-C-T.
Other names: c.1943C>T, p.Thr648Ile (NM_001184772.3, NM_001379450.1, NM_021946.5); short protein forms T648I.
Identifiers: ClinVar variation 3235262 (VCV003235262.2), dbSNP rs2522668571, ClinGen allele CA414587384.